The following is an entry in ClinVar:

NM_000059.4(BRCA2):c.89A>G (p.Asn30Ser)

Gene: BRCA2 (BRCA2 DNA repair associated; plus strand). Cytogenetic location: 13q13.1.
Variant type: single nucleotide variant.
Coding change: c.89A>G on transcript NM_000059.4 (MANE Select); coding-DNA position 89, A replaced by G.
Protein change: p.Asn30Ser; replaces asparagine 30 with serine.
Molecular consequence: missense variant.
Genome position (GRCh38, 1-based): chr13:32,319,098, A>G. VCF-style: chr13-32319098-A-G. GRCh37 (hg19) VCF-style: chr13-32893235-A-G.
Other names: short protein forms N30S.
Identifiers: ClinVar variation 918341 (VCV000918341.11), dbSNP rs2072284356, ClinGen allele CA387754093.

ClinVar aggregate classification (germline): Uncertain significance. Review status: criteria provided, multiple submitters, no conflicts (2 of 4 stars). 3 submissions from 3 submitters: Uncertain significance (3). Last evaluated 2022-09-24.

Conditions:
Hereditary breast ovarian cancer syndrome. Also called: BRCA1- and BRCA2-Associated Hereditary Breast and Ovarian Cancer; Hereditary breast and ovarian cancer syndrome; Hereditary breast and ovarian cancer; Hereditary breast and ovarian cancer syndrome (HBOC); Breast and ovarian cancer; Hereditary breast and/or ovarian cancer syndrome. Identifiers: Orphanet 145, MedGen C0677776, MeSH D061325, MONDO:0003582. Disease mechanism: loss of function.
Hereditary cancer-predisposing syndrome. Also called: Neoplastic Syndromes, Hereditary; Tumor predisposition; Hereditary Cancer Syndrome; Hereditary neoplastic syndrome. Identifiers: Orphanet 140162, MedGen C0027672, MeSH D009386, MONDO:0015356.

gnomAD v4.1: 2 of 1,612,876 alleles (0.00012%); highest among the groups gnomAD compares: Non-Finnish European, 0.00017%; no homozygotes.

Submissions (3):

Labcorp Genetics (formerly Invitae), Labcorp
Classification: Uncertain significance for Hereditary breast ovarian cancer syndrome. Last evaluated: 2022-09-24. Review status: criteria provided, single submitter. Criteria: Invitae Variant Classification Sherloc (09022015). Collection method: clinical testing. Allele origin: germline.
Comment: In summary, the available evidence is currently insufficient to determine the role of this variant in disease. Therefore, it has been classified as a Variant of Uncertain Significance. Advanced modeling of protein sequence and biophysical properties (such as structural, functional, and spatial information, amino acid conservation, physicochemical variation, residue mobility, and thermodynamic stability) performed at Invitae indicates that this missense variant is not expected to disrupt BRCA2 protein function. ClinVar contains an entry for this variant (Variation ID: 918341). This variant has not been reported in the literature in individuals affected with BRCA2-related conditions. This variant is not present in population databases (gnomAD no frequency). This sequence change replaces asparagine, which is neutral and polar, with serine, which is neutral and polar, at codon 30 of the BRCA2 protein (p.Asn30Ser).

Ambry Genetics
Classification: Uncertain significance for Hereditary cancer-predisposing syndrome. Last evaluated: 2022-09-13. Review status: criteria provided, single submitter. Criteria: Ambry Variant Classification Scheme 2023. Collection method: clinical testing. Allele origin: germline.
Comment: The p.N30S variant (also known as c.89A>G), located in coding exon 2 of the BRCA2 gene, results from an A to G substitution at nucleotide position 89. The asparagine at codon 30 is replaced by serine, an amino acid with highly similar properties. This amino acid position is well conserved in available vertebrate species. In addition, this alteration is predicted to be tolerated by in silico analysis. Since supporting evidence is limited at this time, the clinical significance of this alteration remains unclear.

Color Diagnostics, LLC DBA Color Health
Classification: Uncertain significance for Hereditary cancer-predisposing syndrome. Last evaluated: 2019-08-06. Review status: criteria provided, single submitter. Criteria: ACMG Guidelines, 2015. Collection method: clinical testing. Allele origin: germline.
Comment: This missense variant replaces asparagine with serine at codon 30 of the BRCA2 protein. Computational prediction tools and conservation analyses are inconclusive regarding the impact of this variant on the protein function. Computational splicing tools suggest that this variant may not impact RNA splicing. To our knowledge, functional assays have not been performed for this variant nor has this variant been reported in individuals affected with hereditary cancer in the literature. This variant has not been identified in the general population by the Genome Aggregation Database (gnomAD). Available evidence is insufficient to determine the role of this variant in disease conclusively. Therefore, this variant is classified as a Variant of Uncertain Significance.